The following is an entry in ClinVar:

ClinVar aggregate classification (germline): Uncertain significance. Review status: criteria provided, multiple submitters, no conflicts (2 of 4 stars). 7 submissions from 7 submitters: Uncertain significance (7). Last evaluated 2025-12-20.

Conditions:
Hereditary cancer-predisposing syndrome. Also called: Tumor predisposition; Hereditary neoplastic syndrome; Hereditary Cancer Syndrome; Neoplastic Syndromes, Hereditary. Identifiers: Orphanet 140162, MedGen C0027672, MeSH D009386, MONDO:0015356.
Endometrial carcinoma. Also called: Endometrial carcinoma, somatic. Identifiers: MedGen C0476089, MONDO:0002447, OMIM 608089, HP:0012114.
Familial adenomatous polyposis 4 (FAP4). Also called: MSH3-related attenuated familial adenomatous polyposis. Identifiers: Orphanet 480536, MedGen C4310719, MONDO:0044300, OMIM 617100.

Allele frequency attached by ClinVar (database versions not stated): gnomAD exomes 0.00002 and 0.00006; ExAC 0.00006; ESP Exome Variant Server 0.00008; TOPMed 0.00017; gnomAD 0.00020 and 0.00023.
gnomAD v4.1: 55 of 1,614,044 alleles (0.0034%); highest among the groups gnomAD compares: African/African-American, 0.069%; no homozygotes.

Submissions (7):

Labcorp Genetics (formerly Invitae), Labcorp
Classification: Uncertain significance. Last evaluated: 2025-12-20. Review status: criteria provided, single submitter. Criteria: Invitae Variant Classification Sherloc (09022015). Collection method: clinical testing. Allele origin: germline.
Comment: This sequence change replaces cysteine, which is neutral and slightly polar, with arginine, which is basic and polar, at codon 141 of the MSH3 protein (p.Cys141Arg). This variant is present in population databases (rs143733332, gnomAD 0.1%). This variant has not been reported in the literature in individuals affected with MSH3-related conditions. ClinVar contains an entry for this variant (Variation ID: 662768). An algorithm developed to predict the effect of missense changes on protein structure and function outputs the following: PolyPhen-2: "Benign". The arginine amino acid residue is found in multiple mammalian species, which suggests that this missense change does not adversely affect protein function. In summary, the available evidence is currently insufficient to determine the role of this variant in disease. Therefore, it has been classified as a Variant of Uncertain Significance.

Ambry Genetics
Classification: Uncertain significance for Hereditary cancer-predisposing syndrome. Last evaluated: 2025-10-30. Review status: criteria provided, single submitter. Criteria: Ambry Variant Classification Scheme 2023. Collection method: clinical testing. Allele origin: germline.
Comment: The p.C141R variant (also known as c.421T>C), located in coding exon 3 of the MSH3 gene, results from a T to C substitution at nucleotide position 421. The cysteine at codon 141 is replaced by arginine, an amino acid with highly dissimilar properties. This amino acid position is well conserved in available vertebrate species. In addition, the in silico prediction for this alteration is inconclusive. Based on the available evidence, the clinical significance of this variant remains unclear.

Quest Diagnostics Nichols Institute San Juan Capistrano
Classification: Uncertain significance. Last evaluated: 2025-06-10. Review status: criteria provided, single submitter. Criteria: Quest Diagnostics criteria. Collection method: clinical testing. Allele origin: unknown.
Comment: The MSH3 c.421T>C (p.Cys141Arg) variant has been reported in an individual with breast cancer who also carried a pathogenic variant in the PALB2 gene (PMID: 38751533 (2022)). The frequency of this variant in the general population (Genome Aggregation Database) is higher than would generally be expected for pathogenic variants in this gene. Analysis of this variant using bioinformatics tools for the prediction of the effect of amino acid changes on protein structure and function yielded conflicting predictions that this variant is benign or damaging. Based on the available information, we are unable to determine the clinical significance of this variant.

GeneDx
Classification: Uncertain significance. Last evaluated: 2024-11-24. Review status: criteria provided, single submitter. Criteria: GeneDx Variant Classification Process June 2021. Collection method: clinical testing. Allele origin: germline.
Comment: In silico analysis indicates that this missense variant does not alter protein structure/function; Identified in an individual with breast cancer who also harbored a pathogenic PALB2 variant (Masanam et al., 2022); This variant is associated with the following publications: (PMID: Masanam2022)

Fulgent Genetics
Classification: Uncertain significance for Endometrial carcinoma; Familial adenomatous polyposis 4. Last evaluated: 2024-06-17. Review status: criteria provided, single submitter. Criteria: ACMG Guidelines, 2015. Collection method: clinical testing. Allele origin: germline.

Baylor Genetics
Classification: Uncertain significance for Endometrial carcinoma. Last evaluated: 2024-03-13. Review status: criteria provided, single submitter. Criteria: ACMG Guidelines, 2015. Collection method: clinical testing. Allele origin: unknown.

Sema4
Classification: Uncertain significance for Hereditary cancer-predisposing syndrome. Last evaluated: 2021-06-18. Review status: criteria provided, single submitter. Criteria: Sema4 Curation Guidelines. Collection method: curation. Allele origin: germline.
Comment: The MSH3 c.421T>C (p.C141R) variant has not been reported in the literature to our knowledge. It was observed in 26/24942 chromosomes of the African/African American subpopulation, with no homozygotes, in the large and broad cohorts of the Genome Aggregation Database (PMID: 32461654). The variant has been reported in ClinVar (Variation ID 662768). In silico tools suggest the impact of the variant on protein function is inconclusive, though these predictions have not been confirmed by functional studies. The evidence is insufficient to meet ACMG/AMP criteria for classifying the variant as benign or pathogenic. Thus, the clinical significance of this variant is currently uncertain.

Literature cited by the submitters: PubMed 38751533 (cited by Quest Diagnostics Nichols Institute San Juan Capistrano).

NM_002439.5(MSH3):c.421T>C (p.Cys141Arg)

Gene: MSH3 (mutS homolog 3; plus strand). Cytogenetic location: 5q14.1.
Variant type: single nucleotide variant.
Coding change: c.421T>C on transcript NM_002439.5 (MANE Select); coding-DNA position 421, T replaced by C.
Protein change: p.Cys141Arg; replaces cysteine 141 with arginine.
Molecular consequence: missense variant.
Genome position (GRCh38, 1-based): chr5:80,665,205, T>C. VCF-style: chr5-80665205-T-C. GRCh37 (hg19) VCF-style: chr5-79961024-T-C.
Other names: short protein forms C141R.
Identifiers: ClinVar variation 662768 (VCV000662768.24), dbSNP rs143733332, ClinGen allele CA3327599.